The following is an entry in ClinVar:

NM_016734.3(PAX5):c.774C>T (p.Pro258=)

Gene: PAX5 (paired box 5; minus strand). Cytogenetic location: 9p13.2.
Variant type: single nucleotide variant.
Coding change: c.774C>T on transcript NM_016734.3 (MANE Select); coding-DNA position 774, C replaced by T.
Protein change: p.Pro258=; no amino-acid change (proline 258 retained).
Molecular consequence: synonymous variant. On other transcripts: non-coding transcript variant (2).
Genome position (GRCh38, 1-based): chr9:36,966,555, G>A on the plus strand (C>T on the coding strand, the complement: PAX5 is on the minus strand). VCF-style: chr9-36966555-G-A. GRCh37 (hg19) VCF-style: chr9-36966552-G-A.
Other names: c.774C>T, p.Pro258= (NM_001280547.2, NM_001280548.2, NM_001280549.2 and 2 more transcripts); c.450C>T, p.Pro150= (NM_001280551.2, NM_001280556.2); c.645C>T, p.Pro215= (NM_001280553.2, NM_001280554.2); c.576C>T, p.Pro192= (NM_001280555.2); c.774C>T (NM_016734.1).
Identifiers: ClinVar variation 1337574 (VCV001337574.10), dbSNP rs113556063, ClinGen allele CA5058217.
Genomic context (GRCh38, chr9:36,966,555, plus strand): 5'-GGCTGGGCCGGTGTGGCGGTGGCAGGTGTGGTGGGCGTGCATCACGAGGCGTACCTGCTC[G>A]GGCTTGATGGGCTCTGTGGTGGTGAAGATGTCTGAGTAGTGCTGCCTCTCAAACACGCGG-3'
Protein context (NP_057953.1, residues 248-268): DIFTTTEPIK[Pro258=]EQTTEYSAMA

ClinVar aggregate classification (germline): Likely benign. Review status: criteria provided, multiple submitters, no conflicts (2 of 4 stars). 4 submissions from 4 submitters: Likely benign (3). 1 of the submissions does not count toward it. Last evaluated 2025-02-10.

Conditions:
PAX5-related disorder. Also called: PAX5-related condition.
Inborn genetic diseases. Identifiers: MedGen C0950123, MeSH D030342.

Allele frequency attached by ClinVar (database versions not stated): gnomAD 0.00003; gnomAD exomes 0.00004; ESP Exome Variant Server 0.00008; 1000 Genomes Project 30x 0.00016; TOPMed 0.00003; ExAC 0.00004; 1000 Genomes Project 0.00020.
gnomAD v4.1: 94 of 1,613,562 alleles (0.0058%); highest among the groups gnomAD compares: Non-Finnish European, 0.0075%; no homozygotes.

Submissions (4):

Labcorp Genetics (formerly Invitae), Labcorp
Classification: Likely benign. Last evaluated: 2025-02-10. Review status: criteria provided, single submitter. Criteria: Invitae Variant Classification Sherloc (09022015). Collection method: clinical testing. Allele origin: germline.

Ambry Genetics
Classification: Likely benign for Inborn genetic diseases. Last evaluated: 2024-10-15. Review status: criteria provided, single submitter. Criteria: Ambry Variant Classification Scheme 2023. Collection method: clinical testing. Allele origin: germline.

Genetic Services Laboratory, University of Chicago
Classification: Likely benign. Last evaluated: 2020-03-30. Review status: criteria provided, single submitter. Criteria: ACMG Guidelines, 2015. Collection method: clinical testing. Allele origin: germline. Affected: no.

PreventionGenetics, part of Exact Sciences
Classification: Likely benign for PAX5-related condition. Last evaluated: 2022-06-15. Review status: no assertion criteria provided. Collection method: clinical testing. Allele origin: germline. Not counted in ClinVar's aggregate classification.
Comment: This variant is classified as likely benign based on ACMG/AMP sequence variant interpretation guidelines (Richards et al. 2015 PMID: 25741868, with internal and published modifications).